The following is an entry in ClinVar:

NM_033453.4(ITPA):c.410C>A (p.Ser137Ter)

Genes: ITPA (inosine triphosphatase; plus strand), LOC130065322 (ATAC-STARR-seq lymphoblastoid silent region 12615; plus strand). Cytogenetic location: 20p13.
Variant type: single nucleotide variant.
Coding change: c.410C>A on transcript NM_033453.4 (MANE Select); coding-DNA position 410, C replaced by A.
Protein change: p.Ser137Ter; replaces serine 137 with a stop codon.
Molecular consequence: nonsense. On other transcripts: synonymous variant (4), non-coding transcript variant (2).
Genome position (GRCh38, 1-based): chr20:3,218,631, C>A. VCF-style: chr20-3218631-C-A. GRCh37 (hg19) VCF-style: chr20-3199277-C-A.
Other names: c.287C>A, p.Ser96Ter (NM_001267623.2); c.73C>A, p.Arg25= (NM_001324236.2, NM_001324237.2, NM_001324238.2 and 1 more transcripts); c.410C>A, p.Ser137Ter (NM_001324240.2); c.359C>A, p.Ser120Ter (NM_181493.4); short protein forms S120*, S137*, S96*.
Identifiers: ClinVar variation 1072785 (VCV001072785.7), dbSNP rs370326110, ClinGen allele CA9741291.

ClinVar aggregate classification (germline): Pathogenic (1 of 4 stars; one submission).

Conditions:
Inosine triphosphatase deficiency. Also called: INOSINE TRIPHOSPHATE PYROPHOSPHOHYDROLASE DEFICIENCY. Identifiers: MedGen C0342800, MONDO:0013461, OMIM 613850.

Allele frequency attached by ClinVar (database versions not stated): gnomAD exomes 0.00001.
gnomAD v4.1: 11 of 1,607,466 alleles (0.00068%); highest among the groups gnomAD compares: Non-Finnish European, 0.00094%; no homozygotes.

Submission:

Labcorp Genetics (formerly Invitae), Labcorp
Classification: Pathogenic for Inosine triphosphatase deficiency. Last evaluated: 2020-09-08. Review status: criteria provided, single submitter. Criteria: Invitae Variant Classification Sherloc (09022015). Collection method: clinical testing. Allele origin: germline.
Comment: Algorithms developed to predict the effect of sequence changes on RNA splicing suggest that this variant may disrupt the consensus splice site, but this prediction has not been confirmed by published transcriptional studies. For these reasons, this variant has been classified as Pathogenic. Loss-of-function variants in ITPA are known to be pathogenic (PMID: 26224535). This variant has not been reported in the literature in individuals with ITPA-related conditions. This variant is present in population databases (rs370326110, ExAC 0.002%). This sequence change creates a premature translational stop signal (p.Ser137*) in the ITPA gene. It is expected to result in an absent or disrupted protein product.

Literature cited by the submitters: PubMed 26224535.